The following is an entry in ClinVar:

ClinVar aggregate classification (germline): Pathogenic (1 of 4 stars; one submission).

Conditions:
Diamond-Blackfan anemia. Also called: Blackfan Diamond syndrome; Aregenerative anemia chronic congenital; Red cell aplasia, pure hereditary; Congenital hypoplastic anemia; Aase syndrome. Identifiers: Orphanet 124, MedGen C1260899, MeSH D029503, MONDO:0015253, HP:0004810.
GATA binding protein 1 related thrombocytopenia with dyserythropoiesis. Also called: GATA1-Related Cytopenia; GATA1-Related X-Linked Cytopenia. Identifiers: MedGen C1845837, MONDO:0100089.

Submission:

Labcorp Genetics (formerly Invitae), Labcorp
Classification: Pathogenic for GATA binding protein 1 related thrombocytopenia with dyserythropoiesis; Diamond-Blackfan anemia. Last evaluated: 2020-02-11. Review status: criteria provided, single submitter. Criteria: Invitae Variant Classification Sherloc (09022015). Collection method: clinical testing. Allele origin: germline.
Comment: Disruption of the initiator codon has been observed in individual(s) with Diamond-Blackfan anemia (PMID: 24453067, 24952648, 29146883). Disruption of the initiator codon has been reported to affect GATA1 protein function (PMID: 20729467, 24952648). For these reasons, this variant has been classified as Pathogenic. This variant is not present in population databases (ExAC no frequency). This sequence change affects the initiator methionine of the GATA1 mRNA. The next in-frame methionine is located at codon 84.

Literature cited by the submitters: PubMed 24453067; PubMed 24952648; PubMed 29146883; PubMed 20729467.

NM_002049.4(GATA1):c.3G>T (p.Met1Ile)

Gene: GATA1 (GATA binding protein 1; plus strand). Cytogenetic location: Xp11.23.
Variant type: single nucleotide variant.
Coding change: c.3G>T on transcript NM_002049.4 (MANE Select); coding-DNA position 3, G replaced by T.
Protein change: p.Met1Ile; changes the start codon (methionine 1).
Molecular consequence: missense variant, initiator codon variant.
Genome position (GRCh38, 1-based): chrX:48,791,112, G>T. VCF-style: chrX-48791112-G-T. GRCh37 (hg19) VCF-style: chrX-48649519-G-T.
Other names: short protein forms M1I.
Identifiers: ClinVar variation 1068653 (VCV001068653.13), dbSNP rs2147305526, ClinGen allele CA412866641.